The following is an entry in ClinVar:

NM_001134407.3(GRIN2A):c.419C>T (p.Pro140Leu)

Gene: GRIN2A (glutamate ionotropic receptor NMDA type subunit 2A; minus strand). Cytogenetic location: 16p13.2.
Variant type: single nucleotide variant.
Coding change: c.419C>T on transcript NM_001134407.3 (MANE Select); coding-DNA position 419, C replaced by T.
Protein change: p.Pro140Leu; replaces proline 140 with leucine.
Molecular consequence: missense variant.
Genome position (GRCh38, 1-based): chr16:9,938,547, G>A on the plus strand (C>T on the coding strand, the complement: GRIN2A is on the minus strand). VCF-style: chr16-9938547-G-A. GRCh37 (hg19) VCF-style: chr16-10032404-G-A.
Other names: c.419C>T, p.Pro140Leu (NM_000833.5, NM_001134408.2); short protein forms P140L.
Identifiers: ClinVar variation 449195 (VCV000449195.20), dbSNP rs142566406, ClinGen allele CA7896953.

ClinVar aggregate classification (germline): Likely benign. Review status: criteria provided, multiple submitters, no conflicts (2 of 4 stars). 5 submissions from 5 submitters: Likely benign (5). Last evaluated 2025-10-02.

Conditions:
Landau-Kleffner syndrome (FESD). Also called: EPILEPSY, FOCAL, WITH SPEECH DISORDER AND WITH OR WITHOUT MENTAL RETARDATION; APHASIA, ACQUIRED, WITH EPILEPSY. Identifiers: Orphanet 1945, Orphanet 725, Orphanet 98818, MedGen C0282512, MONDO:0009509, OMIM 245570.
GRIN2A-related complex neurodevelopmental disorder. Also called: GRIN2A-related disorder; GRIN2A-related condition. Identifiers: MedGen CN379781, MONDO:1060139.
Inborn genetic diseases. Identifiers: MedGen C0950123, MeSH D030342.

Allele frequency attached by ClinVar (database versions not stated): gnomAD exomes 0.00006 and 0.00014; TOPMed 0.00006; gnomAD 0.00007; ExAC 0.00012; ESP Exome Variant Server 0.00016.
gnomAD v4.1: 104 of 1,602,450 alleles (0.0065%); highest among the groups gnomAD compares: Non-Finnish European, 0.0023%; no homozygotes.

Submissions (5):

Labcorp Genetics (formerly Invitae), Labcorp
Classification: Likely benign for Landau-Kleffner syndrome. Last evaluated: 2025-10-02. Review status: criteria provided, single submitter. Criteria: Invitae Variant Classification Sherloc (09022015). Collection method: clinical testing. Allele origin: germline.

PreventionGenetics, part of Exact Sciences
Classification: Likely benign for GRIN2A-related condition. Last evaluated: 2025-06-03. Review status: criteria provided, single submitter. Criteria: ACMG Guidelines, 2015. Collection method: clinical testing. Allele origin: germline.
Comment: This variant is classified as likely benign based on ACMG/AMP sequence variant interpretation guidelines (Richards et al. 2015 PMID: 25741868, with internal and published modifications).

Ambry Genetics
Classification: Likely benign for Inborn genetic diseases. Last evaluated: 2021-06-21. Review status: criteria provided, single submitter. Criteria: Ambry Variant Classification Scheme 2023. Collection method: clinical testing. Allele origin: germline.

GeneDx
Classification: Likely benign. Last evaluated: 2021-06-08. Review status: criteria provided, single submitter. Criteria: GeneDx Variant Classification Process June 2021. Collection method: clinical testing. Allele origin: germline. Affected: yes.
Comment: In silico analysis supports that this missense variant has a deleterious effect on protein structure/function; Has not been previously published as pathogenic or benign to our knowledge; This variant is associated with the following publications: (PMID: 27535533, 27839871)

Illumina Laboratory Services, Illumina
Classification: Likely benign for Landau-Kleffner syndrome. Last evaluated: 2017-04-27. Review status: criteria provided, single submitter. Criteria: ICSL Variant Classification Criteria 13 December 2019. Collection method: clinical testing. Allele origin: germline.
Comment: This variant was observed as part of a predisposition screen in an ostensibly healthy population. A literature search was performed for the gene, cDNA change, and amino acid change (where applicable). No publications were found based on this search. Allele frequency data from public databases allowed determination this variant is unlikely to cause disease. Therefore, this variant is classified as likely benign.